The following is an entry in ClinVar:

ClinVar aggregate classification (germline): Pathogenic (1 of 4 stars; one submission).

Allele frequency attached by ClinVar (database versions not stated): gnomAD exomes below 0.00001; ExAC 0.00001.
gnomAD v4.1: 1 of 1,614,186 alleles (0.000062%); highest among the groups gnomAD compares: Non-Finnish European, 0.000085%; no homozygotes.

Submission:

Labcorp Genetics (formerly Invitae), Labcorp
Classification: Pathogenic. Last evaluated: 2023-04-12. Review status: criteria provided, single submitter. Criteria: Invitae Variant Classification Sherloc (09022015). Collection method: clinical testing. Allele origin: germline.
Comment: For these reasons, this variant has been classified as Pathogenic. Algorithms developed to predict the effect of sequence changes on RNA splicing suggest that this variant may create or strengthen a splice site. This variant has not been reported in the literature in individuals affected with CAD-related conditions. This variant is present in population databases (rs765340947, gnomAD 0.0009%). This sequence change creates a premature translational stop signal (p.Gln462*) in the CAD gene. It is expected to result in an absent or disrupted protein product. Loss-of-function variants in CAD are known to be pathogenic (PMID: 28007989, 32117025, 32820246, 33497533).

Literature cited by the submitters: PubMed 28007989; PubMed 32117025; PubMed 32820246; PubMed 33497533.

NM_004341.5(CAD):c.1384C>T (p.Gln462Ter)

Gene: CAD (carbamoyl-phosphate synthetase 2, aspartate transcarbamylase, and dihydroorotase; plus strand). Cytogenetic location: 2p23.3.
Variant type: single nucleotide variant.
Coding change: c.1384C>T on transcript NM_004341.5 (MANE Select); coding-DNA position 1384, C replaced by T.
Protein change: p.Gln462Ter; replaces glutamine 462 with a stop codon.
Molecular consequence: nonsense.
Genome position (GRCh38, 1-based): chr2:27,224,874, C>T. VCF-style: chr2-27224874-C-T. GRCh37 (hg19) VCF-style: chr2-27447742-C-T.
Other names: c.1384C>T, p.Gln462Ter (NM_001306079.2); short protein forms Q462*.
Identifiers: ClinVar variation 2855366 (VCV002855366.3), dbSNP rs765340947, ClinGen allele CA1572686.